The following is an entry in ClinVar:

ClinVar aggregate classification (germline): Uncertain significance (1 of 4 stars; one submission).

Conditions:
Inborn genetic diseases. Identifiers: MedGen C0950123, MeSH D030342.

Submission:

Ambry Genetics
Classification: Uncertain significance for Inborn genetic diseases. Last evaluated: 2022-01-21. Review status: criteria provided, single submitter. Criteria: Ambry Variant Classification Scheme 2023. Collection method: clinical testing. Allele origin: germline.
Comment: The c.2243_2266del24 (p.G748_G755del) alteration is located in exon 13 (coding exon 13) of the UNC80 gene. This alteration consists of an in-frame deletion of 24 nucleotides between nucleotide positions c.2243 and c.2266, resulting in the deletion of 8 residues. Based on insufficient or conflicting evidence, the clinical significance of this alteration remains unclear.

NM_001371986.1(UNC80):c.2243_2266del (p.Gly748_Gly755del)

Gene: UNC80 (unc-80 homolog, NALCN channel complex subunit; plus strand). Cytogenetic location: 2q34.
Variant type: Deletion.
Coding change: c.2243_2266del on transcript NM_001371986.1 (MANE Select); coding-DNA positions 2243 to 2266, 24 bases deleted (GAGATGGAGGAGGTGGAGGAGGTG).
Protein change: p.Gly748_Gly755del.
Molecular consequence: inframe deletion.
Genome position (GRCh38, 1-based): chr2:209,820,591-209,820,614, GAGATGGAGGAGGTGGAGGAGGTG deleted; deleting any 24 consecutive bases within chr2:209,820,581-209,820,614 gives the same sequence; the c. name uses the placement nearest the transcript's 3' end. VCF-style (leftmost placement, unchanged base first): chr2-209820580-AGGAGGAGGTGGAGATGGAGGAGGT-A. GRCh37 (hg19) VCF-style: chr2-210685304-AGGAGGAGGTGGAGATGGAGGAGGT-A.
Other names: c.2243_2266del, p.Gly748_Gly755del (NM_032504.2, NM_182587.4).
Identifiers: ClinVar variation 2266217 (VCV002266217.2), dbSNP rs1412919386, ClinGen allele CA764096129.